The following is an entry in ClinVar:

ClinVar aggregate classification (germline): Uncertain significance. Review status: criteria provided, multiple submitters, no conflicts (2 of 4 stars). 2 submissions from 2 submitters: Uncertain significance (2). Last evaluated 2022-12-21.

Conditions:
Inborn genetic diseases. Identifiers: MedGen C0950123, MeSH D030342.
Cortical dysplasia-focal epilepsy syndrome (PTHSL1). Also called: Pitt-Hopkins-like syndrome 1. Identifiers: Orphanet 163681, Orphanet 221150, MedGen C2750246, MONDO:0012400, OMIM 610042.

Allele frequency attached by ClinVar (database versions not stated): gnomAD exomes 0.00001; TOPMed 0.00002; gnomAD 0.00003.
gnomAD v4.1: 6 of 1,552,018 alleles (0.00039%); highest among the groups gnomAD compares: African/African-American, 0.0068%; no homozygotes.

Submissions (2):

Ambry Genetics
Classification: Uncertain significance for Inborn genetic diseases. Last evaluated: 2022-12-21. Review status: criteria provided, single submitter. Criteria: Ambry Variant Classification Scheme 2023. Collection method: clinical testing. Allele origin: germline.

Labcorp Genetics (formerly Invitae), Labcorp
Classification: Uncertain significance for Cortical dysplasia-focal epilepsy syndrome. Last evaluated: 2021-10-10. Review status: criteria provided, single submitter. Criteria: Invitae Variant Classification Sherloc (09022015). Collection method: clinical testing. Allele origin: germline.
Comment: This sequence change replaces cysteine with tyrosine at codon 21 of the CNTNAP2 protein (p.Cys21Tyr). The cysteine residue is weakly conserved and there is a large physicochemical difference between cysteine and tyrosine. This variant is not present in population databases (ExAC no frequency). This variant has not been reported in the literature in individuals affected with CNTNAP2-related conditions. Algorithms developed to predict the effect of missense changes on protein structure and function (SIFT, PolyPhen-2, Align-GVGD) all suggest that this variant is likely to be tolerated. In summary, the available evidence is currently insufficient to determine the role of this variant in disease. Therefore, it has been classified as a Variant of Uncertain Significance.

NM_014141.6(CNTNAP2):c.62G>A (p.Cys21Tyr)

Gene: CNTNAP2 (contactin associated protein 2; plus strand). Cytogenetic location: 7q35.
Variant type: single nucleotide variant.
Coding change: c.62G>A on transcript NM_014141.6 (MANE Select); coding-DNA position 62, G replaced by A.
Protein change: p.Cys21Tyr; replaces cysteine 21 with tyrosine.
Molecular consequence: missense variant.
Genome position (GRCh38, 1-based): chr7:146,116,938, G>A. VCF-style: chr7-146116938-G-A. GRCh37 (hg19) VCF-style: chr7-145814030-G-A.
Other names: c.62G>A (NM_014141.5); short protein forms C21Y.
Identifiers: ClinVar variation 1504341 (VCV001504341.4), dbSNP rs1341597305, ClinGen allele CA369922097.
Genomic context (GRCh38, chr7:146,116,938, plus strand): 5'-TGCAGGCGGCTCCGCGCGCCGGCTGCGGGGCAGCGCTCCTGCTGTGGATTGTCAGCAGCT[G>A]CCTCTGCAGAGCCTGGACGGCTCCCTCCACGTCCCGTAAGTAGCCGTCTCCTCGCTCTGC-3'
Protein context (NP_054860.1, residues 11-31): AALLLWIVSS[Cys21Tyr]LCRAWTAPST